The following is an entry in ClinVar:

NM_006206.6(PDGFRA):c.3247C>A (p.Leu1083Met)

Gene: PDGFRA (platelet derived growth factor receptor alpha; plus strand). Cytogenetic location: 4q12.
Variant type: single nucleotide variant.
Coding change: c.3247C>A on transcript NM_006206.6 (MANE Select); coding-DNA position 3247, C replaced by A.
Protein change: p.Leu1083Met; replaces leucine 1083 with methionine.
Molecular consequence: missense variant.
Genome position (GRCh38, 1-based): chr4:54,295,249, C>A. VCF-style: chr4-54295249-C-A. GRCh37 (hg19) VCF-style: chr4-55161416-C-A.
Other names: c.3322C>A, p.Leu1108Met (NM_001347828.2); c.3247C>A, p.Leu1083Met (NM_001347829.2); c.3286C>A, p.Leu1096Met (NM_001347830.2); short protein forms L1108M, L1083M, L1096M.
Identifiers: ClinVar variation 1729355 (VCV001729355.4), dbSNP rs1246505091, ClinGen allele CA356896714.
Genomic context (GRCh38, chr4:54,295,249, plus strand): 5'-GAGGACGAGACCATTGAAGACATCGACATGATGGATGACATCGGCATAGACTCTTCAGAC[C>A]TGGTGGAAGACAGCTTCCTGTAACTGGCGGATTCGAGGGGTTCCTTCCACTTCTGGGGCC-3'
Protein context (NP_006197.1, residues 1073-1089): MDDIGIDSSD[Leu1083Met]VEDSFL

ClinVar aggregate classification (germline): Uncertain significance. Review status: criteria provided, multiple submitters, no conflicts (2 of 4 stars). 2 submissions from 2 submitters: Uncertain significance (2). Last evaluated 2025-08-21.

Conditions:
Hereditary cancer-predisposing syndrome. Also called: Neoplastic Syndromes, Hereditary; Tumor predisposition; Hereditary Cancer Syndrome; Hereditary neoplastic syndrome. Identifiers: Orphanet 140162, MedGen C0027672, MeSH D009386, MONDO:0015356.
Polyps, multiple and recurrent inflammatory fibroid, gastrointestinal. Identifiers: MedGen C5193005, MONDO:0008285, OMIM 175510.

Allele frequency attached by ClinVar (database versions not stated): TOPMed below 0.00001; gnomAD 0.00001.
gnomAD v4.1: 2 of 1,613,950 alleles (0.00012%); highest among the groups gnomAD compares: Non-Finnish European, 0.00017%; no homozygotes.

Submissions (2):

Ambry Genetics
Classification: Uncertain significance for Hereditary cancer-predisposing syndrome. Last evaluated: 2025-08-21. Review status: criteria provided, single submitter. Criteria: Ambry Variant Classification Scheme 2023. Collection method: clinical testing. Allele origin: germline.
Comment: The p.L1083M variant (also known as c.3247C>A), located in coding exon 22 of the PDGFRA gene, results from a C to A substitution at nucleotide position 3247. The leucine at codon 1083 is replaced by methionine, an amino acid with highly similar properties. This amino acid position is conserved. In addition, the in silico prediction for this alteration is inconclusive. Since supporting evidence is limited at this time, the clinical significance of this alteration remains unclear.

Baylor Genetics
Classification: Uncertain significance for Polyps, multiple and recurrent inflammatory fibroid, gastrointestinal. Last evaluated: 2023-07-11. Review status: criteria provided, single submitter. Criteria: ACMG Guidelines, 2015. Collection method: clinical testing. Allele origin: unknown.